The following is an entry in ClinVar:

NM_000274.4(OAT):c.116C>T (p.Thr39Ile)

Gene: OAT (ornithine aminotransferase; minus strand). Cytogenetic location: 10q26.13.
Variant type: single nucleotide variant.
Coding change: c.116C>T on transcript NM_000274.4 (MANE Select); coding-DNA position 116, C replaced by T.
Protein change: p.Thr39Ile; replaces threonine 39 with isoleucine.
Molecular consequence: missense variant. On other transcripts: intron variant (2).
Genome position (GRCh38, 1-based): chr10:124,412,056, G>A on the plus strand (C>T on the coding strand, the complement: OAT is on the minus strand). VCF-style: chr10-124412056-G-A. GRCh37 (hg19) VCF-style: chr10-126100625-G-A.
Other names: c.116C>T, p.Thr39Ile (NM_001322965.2, NM_001322966.2, NM_001322967.2 and 4 more transcripts); c.-215-3091C>T (NM_001171814.2); c.-515-3091C>T (NM_001322974.2); short protein forms T39I.
Identifiers: ClinVar variation 989756 (VCV000989756.8), dbSNP rs754764229, ClinGen allele CA5733608.

ClinVar aggregate classification (germline): Uncertain significance. Review status: criteria provided, multiple submitters, no conflicts (2 of 4 stars). 3 submissions from 3 submitters: Uncertain significance (2). 1 of the submissions does not count toward it. Last evaluated 2021-08-27.

Conditions:
Ornithine aminotransferase deficiency (GACR). Also called: OKT DEFICIENCY; OAT DEFICIENCY; HYPERORNITHINEMIA WITH GYRATE ATROPHY OF CHOROID AND RETINA; Ornithine ketoacid aminotransferase deficiency; Gyrate atrophy; Gyrate atrophy of choroid and retina. Identifiers: Orphanet 414, MedGen C0018425, MONDO:0009796, OMIM 258870.

Allele frequency attached by ClinVar (database versions not stated): gnomAD exomes below 0.00001; TOPMed below 0.00001; ExAC 0.00001.
gnomAD v4.1: 2 of 1,614,188 alleles (0.00012%); highest among the groups gnomAD compares: Non-Finnish European, 0.000085%; no homozygotes.

Submissions (3):

Labcorp Genetics (formerly Invitae), Labcorp
Classification: Uncertain significance for Ornithine aminotransferase deficiency. Last evaluated: 2021-08-27. Review status: criteria provided, single submitter. Criteria: Invitae Variant Classification Sherloc (09022015). Collection method: clinical testing. Allele origin: germline.
Comment: This sequence change replaces threonine with isoleucine at codon 39 of the OAT protein (p.Thr39Ile). The threonine residue is weakly conserved and there is a moderate physicochemical difference between threonine and isoleucine. This variant is present in population databases (rs754764229, ExAC 0.001%). This variant has not been reported in the literature in individuals affected with OAT-related conditions. Algorithms developed to predict the effect of missense changes on protein structure and function are either unavailable or do not agree on the potential impact of this missense change (SIFT: "Deleterious"; PolyPhen-2: "Benign"; Align-GVGD: "Class C0"). In summary, the available evidence is currently insufficient to determine the role of this variant in disease. Therefore, it has been classified as a Variant of Uncertain Significance.

Blueprint Genetics
Classification: Uncertain significance. Last evaluated: 2019-01-04. Review status: criteria provided, single submitter. Criteria: ACMG Guidelines, 2015. Collection method: clinical testing. Allele origin: germline.

Natera, Inc.
Classification: Uncertain significance for Gyrate atrophy. Last evaluated: 2020-08-28. Review status: no assertion criteria provided. Collection method: clinical testing. Allele origin: germline. Not counted in ClinVar's aggregate classification.